The following is an entry in ClinVar:

NM_005184.4(CALM3):c.-3G>T

Gene: CALM3 (calmodulin 3; plus strand). Cytogenetic location: 19q13.32.
Variant type: single nucleotide variant.
Coding change: c.-3G>T on transcript NM_005184.4 (MANE Select); 3 bases upstream of the start codon, G replaced by T.
Molecular consequence: 5 prime UTR variant. On other transcripts: intron variant (1).
Genome position (GRCh38, 1-based): chr19:46,601,432, G>T. VCF-style: chr19-46601432-G-T. GRCh37 (hg19) VCF-style: chr19-47104689-G-T.
Other names: c.-109G>T (NM_001329924.2); c.-80G>T (NM_001329925.2); c.-103G>T (NM_001329926.2); c.-106+256G>T (NM_001329921.1).
Identifiers: ClinVar variation 1317121 (VCV001317121.3), dbSNP rs969897839, ClinGen allele CA996412109.

ClinVar aggregate classification (germline): Uncertain significance (1 of 4 stars; one submission).

Allele frequency attached by ClinVar (database versions not stated): TOPMed 0.00001.
gnomAD v4.1: 60 of 1,501,490 alleles (0.004%); highest among the groups gnomAD compares: Non-Finnish European, 0.0053%; no homozygotes.

Submission:

GeneDx
Classification: Uncertain significance. Last evaluated: 2024-11-17. Review status: criteria provided, single submitter. Criteria: GeneDx Variant Classification Process June 2021. Collection method: clinical testing. Allele origin: germline. Affected: yes.
Comment: Has not been previously published as pathogenic or benign to our knowledge; Not observed at significant frequency in large population cohorts (gnomAD); Alters the Kozak sequence, which plays a major role in the initiation of translation